The following is an entry in ClinVar:

NM_002775.5(HTRA1):c.31CTG[7] (p.Leu16dup)

Gene: HTRA1 (HtrA serine peptidase 1; plus strand). Cytogenetic location: 10q26.13.
Variant type: Microsatellite.
Coding change: c.31CTG[7] on transcript NM_002775.5 (MANE Select); seven copies in a row of the 3-base unit CTG starting at c.31; the reference has six copies in a row; one copy, 3 bases duplicated.
Protein change: p.Leu16dup; duplicates leucine 16.
Molecular consequence: inframe insertion.
Genome position (GRCh38, 1-based): chr10:122,461,698-122,461,700, CTG duplicated; duplicating any 3 consecutive bases within chr10:122,461,682-122,461,700 gives the same sequence; the position shown is the placement nearest the transcript's 3' end. VCF-style (leftmost placement, unchanged base first): chr10-122461681-C-CGCT. GRCh37 (hg19) VCF-style: chr10-124221197-C-CGCT.
Other names: c.46_48dupCTG (NM_002775.5).
Identifiers: ClinVar variation 804656 (VCV000804656.7), dbSNP rs746547640, ClinGen allele CA5725787.

ClinVar aggregate classification (germline): Uncertain significance. Review status: criteria provided, multiple submitters, no conflicts (2 of 4 stars). 3 submissions from 3 submitters: Uncertain significance (3). Last evaluated 2025-03-27.

Submissions (3):

Labcorp Genetics (formerly Invitae), Labcorp
Classification: Uncertain significance. Last evaluated: 2025-03-27. Review status: criteria provided, single submitter. Criteria: Invitae Variant Classification Sherloc (09022015). Collection method: clinical testing. Allele origin: germline.
Comment: This variant, c.46_48dup, results in the insertion of 1 amino acid(s) of the HTRA1 protein (p.Leu16dup), but otherwise preserves the integrity of the reading frame. This variant is present in population databases (rs770388445, gnomAD 0.1%). This variant has not been reported in the literature in individuals affected with HTRA1-related conditions. Experimental studies and prediction algorithms are not available or were not evaluated, and the functional significance of this variant is currently unknown. In summary, the available evidence is currently insufficient to determine the role of this variant in disease. Therefore, it has been classified as a Variant of Uncertain Significance.

Women's Health and Genetics/Laboratory Corporation of America, LabCorp
Classification: Uncertain significance. Last evaluated: 2025-03-03. Review status: criteria provided, single submitter. Criteria: LabCorp Variant Classification Summary - May 2015. Collection method: clinical testing. Allele origin: germline.
Comment: Variant summary: HTRA1 c.46_48dupCTG (p.Leu16dup) results in an in-frame duplication that is predicted to duplicate 1 amino acid into the encoded protein. The variant allele was found at a frequency of 9e-05 in 66442 control chromosomes. The available data on variant occurrences in the general population are insufficient to allow any conclusion about variant significance. To our knowledge, no occurrence of c.46_48dupCTG in individuals affected with CARASIL syndrome and no experimental evidence demonstrating its impact on protein function have been reported. ClinVar contains an entry for this variant (Variation ID: 804656). Based on the evidence outlined above, the variant was classified as uncertain significance.

Athena Diagnostics
Classification: Uncertain significance. Last evaluated: 2019-03-26. Review status: criteria provided, single submitter. Criteria: Athena Diagnostics Criteria. Collection method: clinical testing. Allele origin: germline.